The following is an entry in ClinVar:

NM_005199.5(CHRNG):c.1115C>T (p.Ser372Phe)

Genes: CHRNG (cholinergic receptor nicotinic gamma subunit; plus strand), TIGD1 (tigger transposable element derived 1; minus strand). Cytogenetic location: 2q37.1.
Variant type: single nucleotide variant.
Coding change: c.1115C>T on transcript NM_005199.5 (MANE Select); coding-DNA position 1115, C replaced by T.
Protein change: p.Ser372Phe; replaces serine 372 with phenylalanine.
Molecular consequence: missense variant.
Genome position (GRCh38, 1-based): chr2:232,544,446, C>T. VCF-style: chr2-232544446-C-T. GRCh37 (hg19) VCF-style: chr2-233409156-C-T.
Other names: short protein forms S372F.
Identifiers: ClinVar variation 235269 (VCV000235269.31), dbSNP rs145433186, ClinGen allele CA2168943.

ClinVar aggregate classification (germline): Conflicting classifications of pathogenicity. Review status: criteria provided, conflicting classifications (1 of 4 stars). 9 submissions from 8 submitters: Uncertain significance (5); Likely benign (3). 1 of the submissions does not count toward it. Last evaluated 2026-02-04.

Conditions:
CHRNG-related disorder. Also called: CHRNG-related condition; CHRNG-related disorders.
Lethal multiple pterygium syndrome (LMPS). Identifiers: Orphanet 33108, MedGen C1854678, MONDO:0009668, OMIM 253290.
Autosomal recessive multiple pterygium syndrome. Also called: PTERYGIUM COLLI SYNDROME; PTERYGIUM SYNDROME; PTERYGIUM UNIVERSALE; MULTIPLE PTERYGIUM SYNDROME, ESCOBAR VARIANT. Identifiers: Orphanet 2990, MedGen C0265261, MONDO:0009926, OMIM 265000.

Allele frequency attached by ClinVar (database versions not stated): 1000 Genomes Project 30x 0.00047; 1000 Genomes Project 0.00060; gnomAD exomes 0.00135; ExAC 0.00145; gnomAD 0.00159 and 0.00160; TOPMed 0.00161; ESP Exome Variant Server 0.00185.
gnomAD v4.1: 4,145 of 1,613,742 alleles (0.26%); highest among the groups gnomAD compares: Non-Finnish European, 0.32%; 14 homozygotes.

Submissions (9):

Labcorp Genetics (formerly Invitae), Labcorp
Classification: Likely benign. Last evaluated: 2026-02-04. Review status: criteria provided, single submitter. Criteria: Invitae Variant Classification Sherloc (09022015). Collection method: clinical testing. Allele origin: germline.

CeGaT Center for Human Genetics Tuebingen
Classification: Likely benign. Last evaluated: 2025-09-01. Review status: criteria provided, single submitter. Criteria: CeGaT Center For Human Genetics Tuebingen Variant Classification Criteria Version 2. Collection method: clinical testing. Allele origin: germline. Affected: yes. Observed: 1 variant allele.
Comment: CHRNG: BP4, BS2

GeneDx
Classification: Likely benign. Last evaluated: 2020-12-14. Review status: criteria provided, single submitter. Criteria: GeneDx Variant Classification Process June 2021. Collection method: clinical testing. Allele origin: germline. Affected: yes.

Fulgent Genetics
Classification: Uncertain significance for Lethal multiple pterygium syndrome; Autosomal recessive multiple pterygium syndrome. Last evaluated: 2018-10-31. Review status: criteria provided, single submitter. Criteria: ACMG Guidelines, 2015. Collection method: clinical testing. Allele origin: unknown.

Illumina Laboratory Services, Illumina
Classification: Uncertain significance for Autosomal recessive multiple pterygium syndrome. Last evaluated: 2018-01-13. Review status: criteria provided, single submitter. Criteria: ICSL Variant Classification Criteria 13 December 2019. Collection method: clinical testing. Allele origin: germline.

Illumina Laboratory Services, Illumina
Classification: Uncertain significance for Lethal multiple pterygium syndrome. Last evaluated: 2018-01-13. Review status: criteria provided, single submitter. Criteria: ICSL Variant Classification Criteria 13 December 2019. Collection method: clinical testing. Allele origin: germline.

Center for Pediatric Genomic Medicine, Children's Mercy Hospital and Clinics
Classification: Uncertain significance. Last evaluated: 2016-01-27. Review status: criteria provided, single submitter. Criteria: ACMG Guidelines, 2015. Collection method: clinical testing. Allele origin: germline.
ClinVar note: Converted during submission from Uncertain Significance to Uncertain significance.

Eurofins Ntd Llc (ga)
Classification: Uncertain significance. Last evaluated: 2015-11-13. Review status: criteria provided, single submitter. Criteria: EGL Classification Definitions 2015. Collection method: clinical testing. Allele origin: germline. Observed: 1 variant allele, 1 heterozygote.

PreventionGenetics, part of Exact Sciences
Classification: Likely benign for CHRNG-related condition. Last evaluated: 2022-08-25. Review status: no assertion criteria provided. Collection method: clinical testing. Allele origin: germline. Not counted in ClinVar's aggregate classification.
Comment: This variant is classified as likely benign based on ACMG/AMP sequence variant interpretation guidelines (Richards et al. 2015 PMID: 25741868, with internal and published modifications).